The following is an entry in ClinVar:

NM_000760.4(CSF3R):c.967C>T (p.Pro323Ser)

Gene: CSF3R (colony stimulating factor 3 receptor; minus strand). Cytogenetic location: 1p34.3.
Variant type: single nucleotide variant.
Coding change: c.967C>T on transcript NM_000760.4 (MANE Select); coding-DNA position 967, C replaced by T.
Protein change: p.Pro323Ser; replaces proline 323 with serine.
Molecular consequence: missense variant.
Genome position (GRCh38, 1-based): chr1:36,472,268, G>A on the plus strand (C>T on the coding strand, the complement: CSF3R is on the minus strand). VCF-style: chr1-36472268-G-A. GRCh37 (hg19) VCF-style: chr1-36937869-G-A.
Other names: c.967C>T, p.Pro323Ser (NM_156039.3, NM_172313.3); c.967C>T (NM_000760.3); short protein forms P323S.
Identifiers: ClinVar variation 1348462 (VCV001348462.9), dbSNP rs1570588198, ClinGen allele CA339422283.
Genomic context (GRCh38, chr1:36,472,268, plus strand): 5'-GCTGCTCCCAGCCTCTCATCACCTCCTTACCCCGTTCGGTAGTTCTCAGCTCCAGGCTGG[G>A]GCTCCAGTCGCTCCAGTGGCCAGGCAGGGGCCAGCGGATGCAGCGTATCTGCAGGGTGTA-3'
Protein context (NP_000751.1, residues 313-333): PLPGHWSDWS[Pro323Ser]SLELRTTERA

ClinVar aggregate classification (germline): Uncertain significance. Review status: criteria provided, multiple submitters, no conflicts (2 of 4 stars). 2 submissions from 2 submitters: Uncertain significance (2). Last evaluated 2023-06-27.

Conditions:
Inborn genetic diseases. Identifiers: MedGen C0950123, MeSH D030342.
Autosomal recessive severe congenital neutropenia due to CSF3R deficiency. Also called: Neutropenia, severe congenital, 7, autosomal recessive. Identifiers: Orphanet 420702, MedGen C4310764, MONDO:0014865, OMIM 617014.

Submissions (2):

Ambry Genetics
Classification: Uncertain significance for Inborn genetic diseases. Last evaluated: 2023-06-27. Review status: criteria provided, single submitter. Criteria: Ambry Variant Classification Scheme 2023. Collection method: clinical testing. Allele origin: germline.

Labcorp Genetics (formerly Invitae), Labcorp
Classification: Uncertain significance for Autosomal recessive severe congenital neutropenia due to CSF3R deficiency. Last evaluated: 2022-03-19. Review status: criteria provided, single submitter. Criteria: Invitae Variant Classification Sherloc (09022015). Collection method: clinical testing. Allele origin: germline.
Comment: This variant is not present in population databases (gnomAD no frequency). In summary, the available evidence is currently insufficient to determine the role of this variant in disease. Therefore, it has been classified as a Variant of Uncertain Significance. Algorithms developed to predict the effect of missense changes on protein structure and function (SIFT, PolyPhen-2, Align-GVGD) all suggest that this variant is likely to be tolerated. This variant has not been reported in the literature in individuals affected with CSF3R-related conditions. This sequence change replaces proline, which is neutral and non-polar, with serine, which is neutral and polar, at codon 323 of the CSF3R protein (p.Pro323Ser).